The following is an entry in ClinVar:

ClinVar aggregate classification (germline): Pathogenic (1 of 4 stars; one submission).

Conditions:
X-linked intellectual disability, Cantagrel type (XLID98). Also called: INTELLECTUAL DEVELOPMENTAL DISORDER, X-LINKED 98. Identifiers: Orphanet 85277, MedGen C3806730, MONDO:0010483, OMIM 300912.

Submission:

Institute of Human Genetics, University of Leipzig Medical Center
Classification: Pathogenic for X-linked intellectual disability, Cantagrel type. Last evaluated: 2024-06-26. Review status: criteria provided, single submitter. Criteria: ACMG Guidelines, 2015. Collection method: clinical testing. Allele origin: de novo. Inheritance: X-linked dominant inheritance. Affected: yes.
Comment: Criteria applied: PVS1,PS2_MOD,PM2

NM_001008537.3(NEXMIF):c.3461dup (p.Cys1155fs)

Gene: NEXMIF (neurite extension and migration factor; minus strand). Cytogenetic location: Xq13.3.
Variant type: Duplication.
Coding change: c.3461dup on transcript NM_001008537.3 (MANE Select); coding-DNA position 3461, one base duplicated (C; older notation c.3461dupC).
Protein change: p.Cys1155fs; shifts the reading frame from cysteine 1155.
Molecular consequence: frameshift variant.
Genome position (GRCh38, 1-based): chrX:74,741,096, G duplicated on the plus strand (C on the coding strand, the reverse complement: NEXMIF is on the minus strand); the first of 3 consecutive G bases (chrX:74,741,096-74,741,098); duplicating any one gives the same sequence. VCF-style (leftmost placement, unchanged base first): chrX-74741095-A-AG. GRCh37 (hg19) VCF-style: chrX-73960930-A-AG.
Other names: short protein forms C1155fs.
Identifiers: ClinVar variation 3358988 (VCV003358988.3).
Genomic context (GRCh38, chrX:74,741,095, plus strand): 5'-TTTTGACACTTTGTTGTTGGTACTAATTTGACCAGATGGATCATTAAATGTTGACAGGCA[A>AG]GGGTTTTTTTGGAGCAGGCTGACAGAATCCTCATCATTGAACATATGGAACTGAAACTGG-3'